The following is an entry in ClinVar:

NM_003579.4(RAD54L):c.1181G>A (p.Arg394Gln)

Gene: RAD54L (RAD54 like; plus strand). Cytogenetic location: 1p34.1.
Variant type: single nucleotide variant.
Coding change: c.1181G>A on transcript NM_003579.4 (MANE Select); coding-DNA position 1181, G replaced by A.
Protein change: p.Arg394Gln; replaces arginine 394 with glutamine.
Molecular consequence: missense variant.
Genome position (GRCh38, 1-based): chr1:46,272,477, G>A. VCF-style: chr1-46272477-G-A. GRCh37 (hg19) VCF-style: chr1-46738149-G-A.
Other names: c.1181G>A, p.Arg394Gln (NM_001142548.2); c.641G>A, p.Arg214Gln (NM_001370766.1); short protein forms R394Q, R214Q.
Identifiers: ClinVar variation 1742332 (VCV001742332.3), dbSNP rs748839524, ClinGen allele CA834529.
Genomic context (GRCh38, chr1:46,272,477, plus strand): 5'-AGCATGGCAATTTTACCAGCCTCTTGCCTTTTTATCCTGTTTTCTCTAGATGCCTGATAC[G>A]GAGGACTTCTGATATCCTTTCTAAATATCTGCCTGTGAAGATTGAGCAGGTCGTTTGTTG-3'
Protein context (NP_003570.2, residues 384-404): LTSIVNRCLI[Arg394Gln]RTSDILSKYL

ClinVar aggregate classification (germline): Uncertain significance (1 of 4 stars; one submission).

Allele frequency attached by ClinVar (database versions not stated): ExAC 0.00001; gnomAD exomes 0.00001; gnomAD 0.00002; TOPMed 0.00002.

Submission:

Ambry Genetics
Classification: Uncertain significance. Last evaluated: 2023-06-28. Review status: criteria provided, single submitter. Criteria: Ambry Variant Classification Scheme 2023. Collection method: clinical testing. Allele origin: germline.
Comment: The p.R394Q variant (also known as c.1181G>A), located in coding exon 11 of the RAD54L gene, results from a G to A substitution at nucleotide position 1181. The arginine at codon 394 is replaced by glutamine, an amino acid with highly similar properties. This amino acid position is conserved. In addition, this alteration is predicted to be deleterious by in silico analysis. Since supporting evidence is limited at this time, the clinical significance of this alteration remains unclear.